The following is an entry in ClinVar:

NM_000090.4(COL3A1):c.258A>G (p.Ala86=)

Gene: COL3A1 (collagen type III alpha 1 chain; plus strand). Cytogenetic location: 2q32.2.
Variant type: single nucleotide variant.
Coding change: c.258A>G on transcript NM_000090.4 (MANE Select); coding-DNA position 258, A replaced by G.
Protein change: p.Ala86=; no amino-acid change (alanine 86 retained).
Molecular consequence: synonymous variant.
Genome position (GRCh38, 1-based): chr2:188,984,938, A>G. VCF-style: chr2-188984938-A-G. GRCh37 (hg19) VCF-style: chr2-189849664-A-G.
Identifiers: ClinVar variation 5039703 (VCV005039703.1).

ClinVar aggregate classification (germline): Likely benign (1 of 4 stars; one submission).

gnomAD v4.1: 1 of 1,613,078 alleles (0.000062%); highest among the groups gnomAD compares: Non-Finnish European, 0.000085%; no homozygotes.

Submission:

CeGaT Center for Human Genetics Tuebingen
Classification: Likely benign. Last evaluated: 2026-08-01. Review status: criteria provided, single submitter. Criteria: CeGaT Center For Human Genetics Tuebingen Variant Classification Criteria Version 2. Collection method: clinical testing. Allele origin: germline. Affected: yes. Observed: 1 variant allele.
Comment: COL3A1: BP4, BP7